The following is an entry in ClinVar:

NM_001384528.1(GATAD2A):c.1291GAG[1] (p.Glu432del)

Gene: GATAD2A (GATA zinc finger domain containing 2A; plus strand). Cytogenetic location: 19p13.11.
Variant type: Microsatellite.
Coding change: c.1291GAG[1] on transcript NM_001384528.1 (MANE Select); one copy of the 3-base unit GAG starting at c.1291; the reference has two copies in a row; one copy, 3 bases deleted.
Protein change: p.Glu432del; deletes glutamic acid 432.
Molecular consequence: inframe deletion. On other transcripts: non-coding transcript variant (1).
Genome position (GRCh38, 1-based): chr19:19,501,207-19,501,209, GAG deleted; deleting any 3 consecutive bases within chr19:19,501,203-19,501,209 gives the same sequence; the position shown is the placement nearest the transcript's 3' end. VCF-style (leftmost placement, unchanged base first): chr19-19501202-GGGA-G. GRCh37 (hg19) VCF-style: chr19-19612011-GGGA-G.
Other names: c.1291GAG[1], p.Glu432del (NM_001384515.1, NM_001384516.1, NM_001384517.1 and 18 more transcripts); c.1288GAG[1], p.Glu431del (NM_001384529.1, NM_001384530.1, NM_001384531.1 and 4 more transcripts); c.1444GAG[1], p.Glu483del (NM_001384537.1); c.1201GAG[1], p.Glu402del (NM_001384539.1); c.862GAG[1], p.Glu289del (NM_001384540.1, NM_001384541.1); short protein forms E289del, E402del, E431del, E432del, E483del.
Identifiers: ClinVar variation 4820661 (VCV004820661.4).

ClinVar aggregate classification (germline): Benign (1 of 4 stars; one submission).

Submission:

CeGaT Center for Human Genetics Tuebingen
Classification: Benign. Last evaluated: 2026-02-01. Review status: criteria provided, single submitter. Criteria: CeGaT Center For Human Genetics Tuebingen Variant Classification Criteria Version 2. Collection method: clinical testing. Allele origin: germline. Affected: yes. Observed: 1 variant allele.
Comment: GATAD2A: PM4:Supporting, BS1, BS2